The following is an entry in ClinVar:

ClinVar aggregate classification (germline): Uncertain significance. Review status: criteria provided, multiple submitters, no conflicts (2 of 4 stars). 2 submissions from 2 submitters: Uncertain significance (2). Last evaluated 2025-11-18.

Conditions:
Inborn genetic diseases. Identifiers: MedGen C0950123, MeSH D030342.
CREBBP-related disorder. Also called: CREBBP-related disorders; CREBBP-related condition.

Allele frequency attached by ClinVar (database versions not stated): ExAC 0.00001; gnomAD exomes 0.00001; TOPMed 0.00002.
gnomAD v4.1: 7 of 1,613,684 alleles (0.00043%); highest among the groups gnomAD compares: Non-Finnish European, 0.00059%; no homozygotes.

Submissions (2):

PreventionGenetics, part of Exact Sciences
Classification: Uncertain significance for CREBBP-related condition. Last evaluated: 2025-11-18. Review status: criteria provided, single submitter. Criteria: ACMG Guidelines, 2015. Collection method: clinical testing. Allele origin: germline.
Comment: The CREBBP c.6454C>G variant is predicted to result in the amino acid substitution p.Pro2152Ala. To our knowledge, this variant has not been reported in the literature. This variant is reported in 0.0018% of alleles in individuals of European (Non-Finnish) descent in gnomAD. At this time, the clinical significance of this variant is uncertain due to the absence of conclusive functional and genetic evidence.

Ambry Genetics
Classification: Uncertain significance for Inborn genetic diseases. Last evaluated: 2017-01-18. Review status: criteria provided, single submitter. Criteria: Ambry Variant Classification Scheme 2023. Collection method: clinical testing. Allele origin: germline.
Comment: The p.P2152A variant (also known as c.6454C>G), located in coding exon 31 of the CREBBP gene, results from a C to G substitution at nucleotide position 6454. The proline at codon 2152 is replaced by alanine, an amino acid with highly similar properties. This amino acid position is well conserved in available vertebrate species. In addition, this alteration is predicted to be tolerated by in silico analysis. Since supporting evidence is limited at this time, the clinical significance of this variant remains unclear.

NM_004380.3(CREBBP):c.6454C>G (p.Pro2152Ala)

Gene: CREBBP (CREB binding lysine acetyltransferase; minus strand). Cytogenetic location: 16p13.3.
Variant type: single nucleotide variant.
Coding change: c.6454C>G on transcript NM_004380.3 (MANE Select); coding-DNA position 6454, C replaced by G.
Protein change: p.Pro2152Ala; replaces proline 2152 with alanine.
Molecular consequence: missense variant.
Genome position (GRCh38, 1-based): chr16:3,728,593, G>C on the plus strand (C>G on the coding strand, the complement: CREBBP is on the minus strand). VCF-style: chr16-3728593-G-C. GRCh37 (hg19) VCF-style: chr16-3778594-G-C.
Other names: c.6340C>G, p.Pro2114Ala (NM_001079846.1); short protein forms P2152A, P2114A.
Identifiers: ClinVar variation 589732 (VCV000589732.6), dbSNP rs773348705, ClinGen allele CA7869104.